The following is an entry in ClinVar:

NM_002460.4(IRF4):c.14G>A (p.Gly5Asp)

Gene: IRF4 (interferon regulatory factor 4; plus strand). Cytogenetic location: 6p25.3.
Variant type: single nucleotide variant.
Coding change: c.14G>A on transcript NM_002460.4 (MANE Select); coding-DNA position 14, G replaced by A.
Protein change: p.Gly5Asp; replaces glycine 5 with aspartic acid.
Molecular consequence: missense variant. On other transcripts: non-coding transcript variant (1).
Genome position (GRCh38, 1-based): chr6:393,166, G>A. VCF-style: chr6-393166-G-A. GRCh37 (hg19) VCF-style: chr6-393166-G-A.
Other names: c.14G>A, p.Gly5Asp (NM_001195286.2); short protein forms G5D.
Identifiers: ClinVar variation 2780101 (VCV002780101.3), dbSNP rs564941413, ClinGen allele CA133329000.
Genomic context (GRCh38, chr6:393,166, plus strand): 5'-AGAGCGGGCGGAGGACCCCGGGCGCGGGCGCGGACGGCACGCGGGGCATGAACCTGGAGG[G>A]CGGCGGCCGAGGCGGAGAGTTCGGCATGAGCGCGGTGAGCTGCGGCAACGGGAAGCTCCG-3'
Protein context (NP_002451.2, residues 1-15): MNLE[Gly5Asp]GGRGGEFGMS

ClinVar aggregate classification (germline): Uncertain significance (1 of 4 stars; one submission).

gnomAD v4.1: 3 of 1,550,722 alleles (0.00019%); highest among the groups gnomAD compares: Middle Eastern, 0.018%; no homozygotes.

Submission:

Labcorp Genetics (formerly Invitae), Labcorp
Classification: Uncertain significance. Last evaluated: 2023-11-10. Review status: criteria provided, single submitter. Criteria: Invitae Variant Classification Sherloc (09022015). Collection method: clinical testing. Allele origin: germline.
Comment: This sequence change replaces glycine, which is neutral and non-polar, with aspartic acid, which is acidic and polar, at codon 5 of the IRF4 protein (p.Gly5Asp). This variant is not present in population databases (gnomAD no frequency). This variant has not been reported in the literature in individuals affected with IRF4-related conditions. An algorithm developed to predict the effect of missense changes on protein structure and function (PolyPhen-2) suggests that this variant is likely to be tolerated. In summary, the available evidence is currently insufficient to determine the role of this variant in disease. Therefore, it has been classified as a Variant of Uncertain Significance.